The following is an entry in ClinVar:

NM_003482.4(KMT2D):c.11800C>G (p.Gln3934Glu)

Gene: KMT2D (lysine methyltransferase 2D; minus strand). Cytogenetic location: 12q13.12.
Variant type: single nucleotide variant.
Coding change: c.11800C>G on transcript NM_003482.4 (MANE Select); coding-DNA position 11800, C replaced by G.
Protein change: p.Gln3934Glu; replaces glutamine 3934 with glutamic acid.
Molecular consequence: missense variant.
Genome position (GRCh38, 1-based): chr12:49,032,905, G>C on the plus strand (C>G on the coding strand, the complement: KMT2D is on the minus strand). VCF-style: chr12-49032905-G-C. GRCh37 (hg19) VCF-style: chr12-49426688-G-C.
Other names: short protein forms Q3934E.
Identifiers: ClinVar variation 4874721 (VCV004874721.2).

ClinVar aggregate classification (germline): Uncertain significance (1 of 4 stars; one submission).

Submission:

CeGaT Center for Human Genetics Tuebingen
Classification: Uncertain significance. Last evaluated: 2026-04-01. Review status: criteria provided, single submitter. Criteria: CeGaT Center For Human Genetics Tuebingen Variant Classification Criteria Version 2. Collection method: clinical testing. Allele origin: germline. Affected: yes. Observed: 1 variant allele.
Comment: KMT2D: PM2, BP4